The following is an entry in ClinVar:

ClinVar aggregate classification (germline): Uncertain significance (1 of 4 stars; one submission).

Submission:

GeneDx
Classification: Uncertain significance. Last evaluated: 2024-03-22. Review status: criteria provided, single submitter. Criteria: GeneDx Variant Classification Process June 2021. Collection method: clinical testing. Allele origin: germline. Affected: yes.
Comment: Not observed at significant frequency in large population cohorts (gnomAD); In silico analysis supports that this missense variant has a deleterious effect on protein structure/function; Has not been previously published as pathogenic or benign to our knowledge

NM_001127222.2(CACNA1A):c.4936G>C (p.Val1646Leu)

Gene: CACNA1A (calcium voltage-gated channel subunit alpha1 A; minus strand). Cytogenetic location: 19p13.13.
Variant type: single nucleotide variant.
Coding change: c.4936G>C on transcript NM_001127222.2 (MANE Select); coding-DNA position 4936, G replaced by C.
Protein change: p.Val1646Leu; replaces valine 1646 with leucine.
Molecular consequence: missense variant.
Genome position (GRCh38, 1-based): chr19:13,245,196, C>G on the plus strand (G>C on the coding strand, the complement: CACNA1A is on the minus strand). VCF-style: chr19-13245196-C-G. GRCh37 (hg19) VCF-style: chr19-13356010-C-G.
Other names: c.4948G>C, p.Val1650Leu (NM_000068.4, NM_023035.3); c.4939G>C, p.Val1647Leu (NM_001127221.2, NM_001174080.2); short protein forms V1646L, V1647L, V1650L.
Identifiers: ClinVar variation 3371397 (VCV003371397.1).
Genomic context (GRCh38, chr19:13,245,196, plus strand): 5'-TCGTCCAGCCCAGAGTCACCCAGAGAGAAGCTGGAGGGAGACTTACCCCAAACTCAGTCA[C>G]GAGGATATCGGTGATGCTGCCCAGAACAGTCACAAAGTCGAAGATGTTCCAGGCATCGCG-3'
Protein context (NP_001120694.1, residues 1636-1656): TVLGSITDIL[Val1646Leu]TEFGNNFINL